The following is an entry in ClinVar:

NM_003242.6(TGFBR2):c.627C>A (p.Leu209=)

Gene: TGFBR2 (transforming growth factor beta receptor 2; plus strand). Cytogenetic location: 3p24.1.
Variant type: single nucleotide variant.
Coding change: c.627C>A on transcript NM_003242.6 (MANE Select); coding-DNA position 627, C replaced by A.
Protein change: p.Leu209=; no amino-acid change (leucine 209 retained).
Molecular consequence: synonymous variant. On other transcripts: intron variant (1).
Genome position (GRCh38, 1-based): chr3:30,671,810, C>A. VCF-style: chr3-30671810-C-A. GRCh37 (hg19) VCF-style: chr3-30713302-C-A.
Other names: c.522C>A, p.Leu174= (NM_001407133.1, NM_001407134.1, NM_001407135.1 and 2 more transcripts); c.342C>A, p.Leu114= (NM_001407137.1); c.267C>A, p.Leu89= (NM_001407138.1); c.530-16577C>A (NM_001407139.1); c.702C>A, p.Leu234= (NM_001024847.3); c.810C>A, p.Leu270= (NM_001407126.1); c.735C>A, p.Leu245= (NM_001407127.1); c.654C>A, p.Leu218= (NM_001407128.1); and 2 more.
Identifiers: ClinVar variation 3074686 (VCV003074686.1), dbSNP rs1699343570, ClinGen allele CA433058222.

ClinVar aggregate classification (germline): Likely benign (1 of 4 stars; one submission).

Conditions:
Loeys-Dietz syndrome 2 (LDS2). Also called: TGFBR2-Related Loeys-Dietz Syndrome; AORTIC ANEURYSM, FAMILIAL THORACIC 3; MARFAN SYNDROME, TYPE II; Marfan syndrome, type 2 (formerly); Marfan Syndrome type 2; Marfan like connective tissue disorder. Identifiers: Orphanet 284973, Orphanet 558, MedGen C2674574, MONDO:0012427, OMIM 610168.

Allele frequency attached by ClinVar (database versions not stated): gnomAD 0.00001.
gnomAD v4.1: 1 of 1,614,084 alleles (0.000062%); highest among the groups gnomAD compares: Admixed American, 0.0017%; no homozygotes.

Submission:

All of Us Research Program, National Institutes of Health
Classification: Likely benign for Loeys-Dietz syndrome 2. Last evaluated: 2023-11-20. Review status: criteria provided, single submitter. Criteria: ACMG Guidelines, 2015. Collection method: clinical testing. Allele origin: germline. Inheritance: Autosomal dominant inheritance. Observed: 1 variant allele, 1 heterozygote.
Comment: This study involves interpretation of variants in research participants for the purpose of population health screening. Participant phenotype was not available at the time of variant classification. Additional details can be found in publication PMID: 35346344, PMCID: PMC8962531